The following is an entry in ClinVar:

ClinVar aggregate classification (germline): Pathogenic (1 of 4 stars; one submission).

Submission:

GeneDx
Classification: Pathogenic. Last evaluated: 2019-02-27. Review status: criteria provided, single submitter. Criteria: GeneDx Variant Classification (06012015). Collection method: clinical testing. Allele origin: germline. Affected: yes.
Comment: The c.392delC variant in the PBX1 gene has not been reported previously as a pathogenic variant nor as a benign variant, to our knowledge. The c.392delC variant causes a frameshift starting with codon Alanine 131, changes this amino acid to a Glutamic Acid residue, and creates a premature Stop codon at position 49 of the new reading frame, denoted p.Ala131GlufsX49. This variant is predicted to cause loss of normal protein function either through protein truncation or nonsense-mediated mRNA decay. The c.392delC variant is not observed in large population cohorts (Lek et al., 2016). We interpret c.392delC as a pathogenic variant.

NM_002585.4(PBX1):c.392del (p.Ala131fs)

Gene: PBX1 (PBX homeobox 1; plus strand). Cytogenetic location: 1q23.3.
Variant type: Deletion.
Coding change: c.392del on transcript NM_002585.4 (MANE Select); coding-DNA position 392, one base deleted (C; older notation c.392delC).
Protein change: p.Ala131fs; shifts the reading frame from alanine 131.
Molecular consequence: frameshift variant.
Genome position (GRCh38, 1-based): chr1:164,792,620, C deleted. VCF-style (leftmost placement, unchanged base first): chr1-164792619-GC-G. GRCh37 (hg19) VCF-style: chr1-164761856-GC-G.
Other names: c.392del, p.Ala131fs (NM_001204961.2, NM_001204963.2, NM_001353131.2); c.143del, p.Ala48fs (NM_001353130.1); short protein forms A131fs, A48fs.
Identifiers: ClinVar variation 817451 (VCV000817451.1), dbSNP rs1571416623, ClinGen allele CA915943651.
Genomic context (GRCh38, chr1:164,792,619, plus strand): 5'-ATGCTGTTAGCGGAAGGCGTGGCGGGGCCTGAGAAGGGCGGAGGGTCGGCGGCAGCGGCG[GC>G]AGCGGCGGCGGCTTCTGGAGGGGCAGGTTCAGACAACTCAGTGGAGCATTCAGATTACAG-3'